The following is an entry in ClinVar:

ClinVar aggregate classification (germline): Uncertain significance. Review status: criteria provided, multiple submitters, no conflicts (2 of 4 stars). 2 submissions from 2 submitters: Uncertain significance (2). Last evaluated 2024-12-14.

Conditions:
Norman-Roberts syndrome (LIS2). Also called: Lissencephaly 2 (Norman-Roberts type). Identifiers: Orphanet 89844, MedGen C0796089, MONDO:0009760, OMIM 257320.
Familial temporal lobe epilepsy 7. Identifiers: Orphanet 101046, MedGen C4225327, MONDO:0014639, OMIM 616436.
Inborn genetic diseases. Identifiers: MedGen C0950123, MeSH D030342.

Allele frequency attached by ClinVar (database versions not stated): gnomAD exomes below 0.00001.
gnomAD v4.1: 2 of 1,614,226 alleles (0.00012%); highest among the groups gnomAD compares: Non-Finnish European, 0.00017%; no homozygotes.

Submissions (2):

Ambry Genetics
Classification: Uncertain significance for Inborn genetic diseases. Last evaluated: 2024-12-14. Review status: criteria provided, single submitter. Criteria: Ambry Variant Classification Scheme 2023. Collection method: clinical testing. Allele origin: germline.

Labcorp Genetics (formerly Invitae), Labcorp
Classification: Uncertain significance for Familial temporal lobe epilepsy 7; Norman-Roberts syndrome. Last evaluated: 2023-08-04. Review status: criteria provided, single submitter. Criteria: Invitae Variant Classification Sherloc (09022015). Collection method: clinical testing. Allele origin: germline.
Comment: In summary, the available evidence is currently insufficient to determine the role of this variant in disease. Therefore, it has been classified as a Variant of Uncertain Significance. Advanced modeling of protein sequence and biophysical properties (such as structural, functional, and spatial information, amino acid conservation, physicochemical variation, residue mobility, and thermodynamic stability) performed at Invitae indicates that this missense variant is not expected to disrupt RELN protein function. ClinVar contains an entry for this variant (Variation ID: 1412160). This variant has not been reported in the literature in individuals affected with RELN-related conditions. This variant is not present in population databases (gnomAD no frequency). This sequence change replaces isoleucine, which is neutral and non-polar, with valine, which is neutral and non-polar, at codon 2149 of the RELN protein (p.Ile2149Val).

NM_005045.4(RELN):c.6445A>G (p.Ile2149Val)

Gene: RELN (reelin; minus strand). Cytogenetic location: 7q22.1.
Variant type: single nucleotide variant.
Coding change: c.6445A>G on transcript NM_005045.4 (MANE Select); coding-DNA position 6445, A replaced by G.
Protein change: p.Ile2149Val; replaces isoleucine 2149 with valine.
Molecular consequence: missense variant.
Genome position (GRCh38, 1-based): chr7:103,545,202, T>C on the plus strand (A>G on the coding strand, the complement: RELN is on the minus strand). VCF-style: chr7-103545202-T-C. GRCh37 (hg19) VCF-style: chr7-103185649-T-C.
Other names: c.6445A>G (NM_005045.3); c.6445A>G, p.Ile2149Val (NM_173054.3); short protein forms I2149V.
Identifiers: ClinVar variation 1412160 (VCV001412160.9), dbSNP rs2117139774, ClinGen allele CA368770995.
Genomic context (GRCh38, chr7:103,545,202, plus strand): 5'-GAAAATCAGGATTTTTGGTGCTTATTTTACAGGTTGGACCTGAGTAGCCAGGGTCACATA[T>C]ACATTTGGTTCCATTGATACAGCTCCCCTGTCCATTACACATCTCCTCACACTGGGGACC-3'
Protein context (NP_005036.2, residues 2139-2159): QGSCINGTKC[Ile2149Val]CDPGYSGPTC